The following is an entry in ClinVar:

ClinVar aggregate classification (germline): Uncertain significance (1 of 4 stars; one submission).

Conditions:
Hereditary cancer-predisposing syndrome. Also called: Neoplastic Syndromes, Hereditary; Tumor predisposition; Hereditary Cancer Syndrome; Hereditary neoplastic syndrome. Identifiers: Orphanet 140162, MedGen C0027672, MeSH D009386, MONDO:0015356.

Submission:

Ambry Genetics
Classification: Uncertain significance for Hereditary cancer-predisposing syndrome. Last evaluated: 2024-09-24. Review status: criteria provided, single submitter. Criteria: Ambry Variant Classification Scheme 2023. Collection method: clinical testing. Allele origin: germline.
Comment: The p.V677G variant (also known as c.2030T>G), located in coding exon 15 of the APC gene, results from a T to G substitution at nucleotide position 2030. The valine at codon 677 is replaced by glycine, an amino acid with dissimilar properties. This amino acid position is conserved. In addition, in silico predictors for this gene do not accurately predict pathogenicity. Based on the available evidence, the clinical significance of this variant remains unclear.

NM_000038.6(APC):c.2030T>G (p.Val677Gly)

Gene: APC (APC regulator of Wnt signaling pathway; plus strand). Cytogenetic location: 5q22.2.
Variant type: single nucleotide variant.
Coding change: c.2030T>G on transcript NM_000038.6 (MANE Select); coding-DNA position 2030, T replaced by G.
Protein change: p.Val677Gly; replaces valine 677 with glycine.
Molecular consequence: missense variant. On other transcripts: non-coding transcript variant (2).
Genome position (GRCh38, 1-based): chr5:112,837,624, T>G. VCF-style: chr5-112837624-T-G. GRCh37 (hg19) VCF-style: chr5-112173321-T-G.
Other names: c.2030T>G, p.Val677Gly (NM_001127510.3, NM_001354895.2, NM_001407450.1); c.1976T>G, p.Val659Gly (NM_001127511.3); c.2084T>G, p.Val695Gly (NM_001354896.2, NM_001407447.1, NM_001407448.1 and 1 more transcripts); c.2060T>G, p.Val687Gly (NM_001354897.2); c.1955T>G, p.Val652Gly (NM_001354898.2); c.1946T>G, p.Val649Gly (NM_001354899.2); c.1907T>G, p.Val636Gly (NM_001354900.2); c.1853T>G, p.Val618Gly (NM_001354901.2, NM_001407453.1); and 11 more; short protein forms V394G, V576G, V618G, V677G, V517G, V548G, V551G, V636G.
Identifiers: ClinVar variation 3406328 (VCV003406328.1).